The following is an entry in ClinVar:

ClinVar aggregate classification (germline): Uncertain significance (1 of 4 stars; one submission).

Submission:

Women's Health and Genetics/Laboratory Corporation of America, LabCorp
Classification: Uncertain significance. Last evaluated: 2023-09-12. Review status: criteria provided, single submitter. Criteria: LabCorp Variant Classification Summary - May 2015. Collection method: clinical testing. Allele origin: germline.
Comment: Variant summary: ATP7B c.2306T>C (p.Met769Thr) results in a non-conservative amino acid change in the encoded protein sequence, altering a highly conserved residue (HGMD) in which another missense variant (p.Met769Val) is classified as pathogenic. Five of five in-silico tools predict a damaging effect of the variant on protein function. The variant was absent in 249554 control chromosomes (gnomAD). c.2306T>C has been reported in the literature in an individual affected with Wilson Disease who was reported as heterozygous without a second variant identified (Qian_2019). These data do not allow any conclusion about variant significance. To our knowledge, no experimental evidence demonstrating an impact on protein function has been reported. No submitters have cited clinical-significance assessments for this variant to ClinVar after 2014. Based on the evidence outlined above, the variant was classified as VUS-possibly pathogenic.

Literature cited by the submitters: PubMed 30884209.

NM_000053.4(ATP7B):c.2306T>C (p.Met769Thr)

Gene: ATP7B (ATPase copper transporting beta; minus strand). Cytogenetic location: 13q14.3.
Variant type: single nucleotide variant.
Coding change: c.2306T>C on transcript NM_000053.4 (MANE Select); coding-DNA position 2306, T replaced by C.
Protein change: p.Met769Thr; replaces methionine 769 with threonine.
Molecular consequence: missense variant. On other transcripts: intron variant (14).
Genome position (GRCh38, 1-based): chr13:51,958,360, A>G on the plus strand (T>C on the coding strand, the complement: ATP7B is on the minus strand). VCF-style: chr13-51958360-A-G. GRCh37 (hg19) VCF-style: chr13-52532496-A-G.
Other names: c.1973T>C, p.Met658Thr (NM_001243182.2); c.2054T>C, p.Met685Thr (NM_001330579.2, NM_001406531.1, NM_001406532.1 and 1 more transcripts); c.2306T>C, p.Met769Thr (NM_001406511.1, NM_001406512.1, NM_001406513.1 and 7 more transcripts); c.2273T>C, p.Met758Thr (NM_001406514.1); c.2210T>C, p.Met737Thr (NM_001406517.1, NM_001406518.1); c.2162T>C, p.Met721Thr (NM_001406520.1, NM_001406521.1, NM_001406522.1 and 1 more transcripts); c.2129T>C, p.Met710Thr (NM_001406524.1); c.2066T>C, p.Met689Thr (NM_001406530.1); and 8 more; short protein forms M626T, M653T, M658T, M685T, M689T, M710T, M721T, M737T.
Identifiers: ClinVar variation 2627197 (VCV002627197.1), dbSNP rs772595172, ClinGen allele CA388021750.